The following is an entry in ClinVar:

NM_001555.5(IGSF1):c.2708G>C (p.Arg903Thr)

Gene: IGSF1 (immunoglobulin superfamily member 1; minus strand). Cytogenetic location: Xq26.1.
Variant type: single nucleotide variant.
Coding change: c.2708G>C on transcript NM_001555.5 (MANE Select); coding-DNA position 2708, G replaced by C.
Protein change: p.Arg903Thr; replaces arginine 903 with threonine.
Molecular consequence: missense variant.
Genome position (GRCh38, 1-based): chrX:131,276,149, C>G on the plus strand (G>C on the coding strand, the complement: IGSF1 is on the minus strand). VCF-style: chrX-131276149-C-G. GRCh37 (hg19) VCF-style: chrX-130410123-C-G.
Other names: c.2723G>C, p.Arg908Thr (NM_001170961.2, NM_001438811.1, NM_001438814.1); c.2681G>C, p.Arg894Thr (NM_001170962.2); c.2708G>C, p.Arg903Thr (NM_001438812.1, NM_001438813.1, NM_001438815.1); short protein forms R894T, R908T, R903T.
Identifiers: ClinVar variation 4982754 (VCV004982754.1).

ClinVar aggregate classification (germline): Uncertain significance (1 of 4 stars; one submission).

Conditions:
IGSF1-related disorder. Also called: IGSF1-related condition.

gnomAD v4.1: 1 of 1,209,224 alleles (0.000083%); highest among the groups gnomAD compares: Admixed American, 0.0022%; no homozygotes.

Submission:

PreventionGenetics, part of Exact Sciences
Classification: Uncertain significance for IGSF1-related condition. Last evaluated: 2025-03-10. Review status: criteria provided, single submitter. Criteria: ACMG Guidelines, 2015. Collection method: clinical testing. Allele origin: germline.
Comment: The IGSF1 c.2723G>C variant is predicted to result in the amino acid substitution p.Arg908Thr. To our knowledge, this variant has not been reported in the literature. This variant is reported in 0.0037% of alleles in individuals of Latino descent in gnomAD. At this time, the clinical significance of this variant is uncertain due to the absence of conclusive functional and genetic evidence.